The following is an entry in ClinVar:

NM_001184880.2(PCDH19):c.1863T>C (p.Asn621=)

Gene: PCDH19 (protocadherin 19; minus strand). Cytogenetic location: Xq22.1.
Variant type: single nucleotide variant.
Coding change: c.1863T>C on transcript NM_001184880.2 (MANE Select); coding-DNA position 1863, T replaced by C.
Protein change: p.Asn621=; no amino-acid change (asparagine 621 retained).
Molecular consequence: synonymous variant.
Genome position (GRCh38, 1-based): chrX:100,406,735, A>G on the plus strand (T>C on the coding strand, the complement: PCDH19 is on the minus strand). VCF-style: chrX-100406735-A-G. GRCh37 (hg19) VCF-style: chrX-99661733-A-G.
Other names: c.1863T>C, p.Asn621= (NM_001105243.2, NM_020766.3).
Identifiers: ClinVar variation 3389479 (VCV003389479.14).

ClinVar aggregate classification (germline): Likely benign (1 of 4 stars; one submission).

gnomAD v4.1: 29 of 1,209,822 alleles (0.0024%); highest among the groups gnomAD compares: South Asian, 0.046%; no homozygotes.

Submission:

CeGaT Center for Human Genetics Tuebingen
Classification: Likely benign. Last evaluated: 2026-01-01. Review status: criteria provided, single submitter. Criteria: CeGaT Center For Human Genetics Tuebingen Variant Classification Criteria Version 2. Collection method: clinical testing. Allele origin: germline. Affected: yes. Observed: 2 variant alleles.
Comment: PCDH19: BP4, BP7, BS2